The following is an entry in ClinVar:

NM_000254.3(MTR):c.2472A>T (p.Ala824=)

Gene: MTR (5-methyltetrahydrofolate-homocysteine methyltransferase; plus strand). Cytogenetic location: 1q43.
Variant type: single nucleotide variant.
Coding change: c.2472A>T on transcript NM_000254.3 (MANE Select); coding-DNA position 2472, A replaced by T.
Protein change: p.Ala824=; no amino-acid change (alanine 824 retained).
Molecular consequence: synonymous variant.
Genome position (GRCh38, 1-based): chr1:236,873,839, A>T. VCF-style: chr1-236873839-A-T. GRCh37 (hg19) VCF-style: chr1-237037139-A-T.
Other names: c.2319A>T, p.Ala773= (NM_001291939.1); c.1251A>T, p.Ala417= (NM_001291940.2).
Identifiers: ClinVar variation 959952 (VCV000959952.9), dbSNP rs1665277178, ClinGen allele CA423813212.

ClinVar aggregate classification (germline): Uncertain significance (1 of 4 stars; one submission).

Conditions:
Methylcobalamin deficiency type cblG (HMAG). Also called: HOMOCYSTINURIA-MEGALOBLASTIC ANEMIA DUE TO DEFECT IN COBALAMIN METABOLISM, cblG COMPLEMENTATION TYPE; HOMOCYSTINURIA-MEGALOBLASTIC ANEMIA, cblG COMPLEMENTATION TYPE; Functional methionine synthase deficiency type cblG; HOMOCYSTINURIA-MEGALOBLASTIC ANEMIA, cblG TYPE. Identifiers: Orphanet 2170, Orphanet 622, MedGen C1855128, MONDO:0009609, OMIM 250940.

Submission:

Labcorp Genetics (formerly Invitae), Labcorp
Classification: Uncertain significance for Methylcobalamin deficiency type cblG. Last evaluated: 2019-08-02. Review status: criteria provided, single submitter. Criteria: Invitae Variant Classification Sherloc (09022015). Collection method: clinical testing. Allele origin: germline.
Comment: In summary, the available evidence is currently insufficient to determine the role of this variant in disease. Therefore, it has been classified as a Variant of Uncertain Significance. Algorithms developed to predict the effect of sequence changes on RNA splicing suggest that this variant may disrupt the consensus splice site, but this prediction has not been confirmed by published transcriptional studies. This variant is not present in population databases (ExAC no frequency). This sequence change affects codon 824 of the MTR mRNA. It is a 'silent' change, meaning that it does not change the encoded amino acid sequence of the MTR protein.